The following is an entry in ClinVar:

Conditions:
Arteriohepatic dysplasia. Also called: Alagille Syndrome. Identifiers: Orphanet 52, MedGen C0085280, MeSH D016738, MONDO:0007318.

Submission:

Gilbert/Spinner Lab, Children's Hospital of Philadelphia
No classification provided (evidence only). Condition: Alagille syndrome. Review status: no classification provided. Collection method: research. Allele origin: not applicable. Functional consequence: functionally_abnormal.
ClinVar note: "not provided" was previously submitted as the classification for the variant. However, the classification appeared to be based only on an observation of functional data so it was converted to no classification on 2025-07-30.

NM_000214.3(JAG1):c.658T>C (p.Cys220Arg)

Gene: JAG1 (jagged canonical Notch ligand 1; minus strand). Cytogenetic location: 20p12.2.
Variant type: single nucleotide variant.
Coding change: c.658T>C on transcript NM_000214.3 (MANE Select); coding-DNA position 658, T replaced by C.
Protein change: p.Cys220Arg; replaces cysteine 220 with arginine.
Molecular consequence: missense variant.
Genome position (GRCh38, 1-based): chr20:10,658,504, A>G on the plus strand (T>C on the coding strand, the complement: JAG1 is on the minus strand). VCF-style: chr20-10658504-A-G. GRCh37 (hg19) VCF-style: chr20-10639152-A-G.
Other names: short protein forms C220R.
Identifiers: ClinVar variation 3573351 (VCV003573351.2).